The following is an entry in ClinVar:

ClinVar aggregate classification (germline): Pathogenic/Likely pathogenic. Review status: criteria provided, multiple submitters, no conflicts (2 of 4 stars). 3 submissions from 3 submitters: Pathogenic (2); Likely pathogenic (1). Last evaluated 2025-08-13.

Conditions:
RNASEH2B-related disorder. Also called: RNASEH2B-related condition.
Aicardi-Goutieres syndrome 2. Identifiers: Orphanet 51, MedGen C3489724, MONDO:0012429, OMIM 610181.

Allele frequency attached by ClinVar (database versions not stated): gnomAD 0.00001; TOPMed below 0.00001; ExAC 0.00001.
gnomAD v4.1: 22 of 1,594,978 alleles (0.0014%); highest among the groups gnomAD compares: Non-Finnish European, 0.0019%; no homozygotes.

Submissions (3):

Myriad Genetics, Inc.
Classification: Pathogenic for Aicardi-Goutieres syndrome 2. Last evaluated: 2025-08-13. Review status: criteria provided, single submitter. Criteria: Myriad Autosomal Dominant, Autosomal Recessive and X-Linked Classification Criteria (2023). Collection method: clinical testing. Allele origin: unknown.
Comment: NM_024570.3(RNASEH2B):c.83C>G(S28*) is expected to be pathogenic in the context of Aicardi-Goutieres syndrome, RNASEH2B-related. This variant is predicted to lead to an abnormal or absent protein product due to the creation of a premature termination codon in RNASEH2B, a gene where loss-of-function variants are known to be pathogenic. Please note: this variant was assessed in the context of healthy population screening.

Labcorp Genetics (formerly Invitae), Labcorp
Classification: Pathogenic for Aicardi-Goutieres syndrome 2. Last evaluated: 2023-06-28. Review status: criteria provided, single submitter. Criteria: Invitae Variant Classification Sherloc (09022015). Collection method: clinical testing. Allele origin: germline.
Comment: This variant has not been reported in the literature in individuals affected with RNASEH2B-related conditions. For these reasons, this variant has been classified as Pathogenic. This variant is present in population databases (rs771472509, gnomAD 0.002%). This sequence change creates a premature translational stop signal (p.Ser28*) in the RNASEH2B gene. It is expected to result in an absent or disrupted protein product. Loss-of-function variants in RNASEH2B are known to be pathogenic (PMID: 17846997).

Blueprint Genetics
Classification: Likely pathogenic for RNASEH2B-related disorders. Last evaluated: 2022-05-24. Review status: criteria provided, single submitter. Criteria: ACMG Guidelines, 2015. Collection method: clinical testing. Allele origin: germline. Affected: yes. Observed: 1 variant allele.

Literature cited by the submitters: PubMed 17846997 (cited by Labcorp Genetics (formerly Invitae), Labcorp).

NM_024570.4(RNASEH2B):c.83C>G (p.Ser28Ter)

Gene: RNASEH2B (ribonuclease H2 subunit B; plus strand). Cytogenetic location: 13q14.3.
Variant type: single nucleotide variant.
Coding change: c.83C>G on transcript NM_024570.4 (MANE Select); coding-DNA position 83, C replaced by G.
Protein change: p.Ser28Ter; replaces serine 28 with a stop codon.
Molecular consequence: nonsense.
Genome position (GRCh38, 1-based): chr13:50,927,425, C>G. VCF-style: chr13-50927425-C-G. GRCh37 (hg19) VCF-style: chr13-51501561-C-G.
Other names: c.83C>G, p.Ser28Ter (NM_001142279.2, NM_001411023.1); short protein forms S28*.
Identifiers: ClinVar variation 2859739 (VCV002859739.6), dbSNP rs771472509, ClinGen allele CA6985435.
Genomic context (GRCh38, chr13:50,927,425, plus strand): 5'-AGCTGTGTGTTTTAATTTTAGATATTCACGGTTTATTTTCAGAATATTTAAAAGATGCTT[C>G]AAAGAAGATGAAAAATGGGCTAATGTTTGTAAAACTGGTTAACCCCTGTTCAGGTAAGTT-3'